The following is an entry in ClinVar:

NM_002485.5(NBN):c.1787A>G (p.Asp596Gly)

Gene: NBN (nibrin; minus strand). Cytogenetic location: 8q21.3.
Variant type: single nucleotide variant.
Coding change: c.1787A>G on transcript NM_002485.5 (MANE Select); coding-DNA position 1787, A replaced by G.
Protein change: p.Asp596Gly; replaces aspartic acid 596 with glycine.
Molecular consequence: missense variant.
Genome position (GRCh38, 1-based): chr8:89,953,302, T>C on the plus strand (A>G on the coding strand, the complement: NBN is on the minus strand). VCF-style: chr8-89953302-T-C. GRCh37 (hg19) VCF-style: chr8-90965530-T-C.
Other names: c.1541A>G, p.Asp514Gly (NM_001024688.3); short protein forms D514G, D596G.
Identifiers: ClinVar variation 862915 (VCV000862915.16), dbSNP rs1005715125, ClinGen allele CA181257649.

ClinVar aggregate classification (germline): Uncertain significance. Review status: criteria provided, multiple submitters, no conflicts (2 of 4 stars). 5 submissions from 5 submitters: Uncertain significance (4). 1 of the submissions does not count toward it. Last evaluated 2025-06-10.

Conditions:
Microcephaly, normal intelligence and immunodeficiency (NBS). Also called: IMMUNODEFICIENCY, MICROCEPHALY, AND CHROMOSOMAL INSTABILITY; SEEMANOVA SYNDROME II; Nijmegen breakage syndrome; Microcephaly with normal intelligence immunodeficiency and lymphoreticular malignancies; Nonsyndromal microcephaly autosomal recessive with normal intelligence; Seemanova syndrome 2. Identifiers: Orphanet 647, MedGen C0398791, MONDO:0009623, OMIM 251260.
Hereditary cancer-predisposing syndrome. Also called: Tumor predisposition; Hereditary Cancer Syndrome; Neoplastic Syndromes, Hereditary; Hereditary neoplastic syndrome. Identifiers: Orphanet 140162, MedGen C0027672, MeSH D009386, MONDO:0015356.

Submissions (5):

Ambry Genetics
Classification: Uncertain significance for Hereditary cancer-predisposing syndrome. Last evaluated: 2025-06-10. Review status: criteria provided, single submitter. Criteria: Ambry Variant Classification Scheme 2023. Collection method: clinical testing. Allele origin: germline.

Genome-Nilou Lab
Classification: Uncertain significance for Microcephaly, normal intelligence and immunodeficiency. Last evaluated: 2021-11-07. Review status: criteria provided, single submitter. Criteria: ACMG Guidelines, 2015. Collection method: clinical testing. Allele origin: germline. Affected: no.

Labcorp Genetics (formerly Invitae), Labcorp
Classification: Uncertain significance for Microcephaly, normal intelligence and immunodeficiency. Last evaluated: 2021-08-31. Review status: criteria provided, single submitter. Criteria: Invitae Variant Classification Sherloc (09022015). Collection method: clinical testing. Allele origin: germline.
Comment: This sequence change replaces aspartic acid with glycine at codon 596 of the NBN protein (p.Asp596Gly). The aspartic acid residue is moderately conserved and there is a moderate physicochemical difference between aspartic acid and glycine. This variant is not present in population databases (ExAC no frequency). This variant has not been reported in the literature in individuals affected with NBN-related conditions. Algorithms developed to predict the effect of missense changes on protein structure and function are either unavailable or do not agree on the potential impact of this missense change (SIFT: "Deleterious"; PolyPhen-2: "Benign"; Align-GVGD: "Class C15"). Algorithms developed to predict the effect of sequence changes on RNA splicing suggest that this variant may create or strengthen a splice site. In summary, the available evidence is currently insufficient to determine the role of this variant in disease. Therefore, it has been classified as a Variant of Uncertain Significance.

GeneDx
Classification: Uncertain significance. Last evaluated: 2019-08-27. Review status: criteria provided, single submitter. Criteria: GeneDx Variant Classification Process June 2021. Collection method: clinical testing. Allele origin: germline. Affected: yes.
Comment: Not observed in large population cohorts (Lek 2016); In silico analysis, which includes protein predictors and evolutionary conservation, supports that this variant does not alter protein structure/function; Has not been previously published as pathogenic or benign to our knowledge

Natera, Inc.
Classification: Uncertain significance for Nijmegen breakage syndrome. Last evaluated: 2020-02-13. Review status: no assertion criteria provided. Collection method: clinical testing. Allele origin: germline. Not counted in ClinVar's aggregate classification.